The following is an entry in ClinVar:

NM_032578.4(MYPN):c.2344A>G (p.Asn782Asp)

Gene: MYPN (myopalladin; plus strand). Cytogenetic location: 10q21.3.
Variant type: single nucleotide variant.
Coding change: c.2344A>G on transcript NM_032578.4 (MANE Select); coding-DNA position 2344, A replaced by G.
Protein change: p.Asn782Asp; replaces asparagine 782 with aspartic acid.
Molecular consequence: missense variant. On other transcripts: non-coding transcript variant (2).
Genome position (GRCh38, 1-based): chr10:68,174,436, A>G. VCF-style: chr10-68174436-A-G. GRCh37 (hg19) VCF-style: chr10-69934193-A-G.
Other names: c.2344A>G, p.Asn782Asp (NM_001256267.2); c.1462A>G, p.Asn488Asp (NM_001256268.2); short protein forms N488D, N782D.
Identifiers: ClinVar variation 1348408 (VCV001348408.8), dbSNP rs765596732, ClinGen allele CA5522774.

ClinVar aggregate classification (germline): Uncertain significance (1 of 4 stars; one submission).

Conditions:
Dilated cardiomyopathy 1KK (CMD1KK). Identifiers: Orphanet 154, Orphanet 75249, MedGen C3714995, MONDO:0014100, OMIM 615248.

Allele frequency attached by ClinVar (database versions not stated): gnomAD exomes below 0.00001; ExAC 0.00001.
gnomAD v4.1: 8 of 1,613,852 alleles (0.0005%); highest among the groups gnomAD compares: South Asian, 0.0055%; no homozygotes.

Submission:

Labcorp Genetics (formerly Invitae), Labcorp
Classification: Uncertain significance for Dilated cardiomyopathy 1KK. Last evaluated: 2021-06-01. Review status: criteria provided, single submitter. Criteria: Invitae Variant Classification Sherloc (09022015). Collection method: clinical testing. Allele origin: germline.
Comment: This variant has not been reported in the literature in individuals with MYPN-related conditions. This variant is present in population databases (rs765596732, ExAC 0.006%). This sequence change replaces asparagine with aspartic acid at codon 782 of the MYPN protein (p.Asn782Asp). The asparagine residue is weakly conserved and there is a small physicochemical difference between asparagine and aspartic acid. Algorithms developed to predict the effect of missense changes on protein structure and function (SIFT, PolyPhen-2, Align-GVGD) all suggest that this variant is likely to be tolerated, but these predictions have not been confirmed by published functional studies and their clinical significance is uncertain. Algorithms developed to predict the effect of sequence changes on RNA splicing suggest that this variant may create or strengthen a splice site, but this prediction has not been confirmed by published transcriptional studies. In summary, the available evidence is currently insufficient to determine the role of this variant in disease. Therefore, it has been classified as a Variant of Uncertain Significance.